The following is an entry in ClinVar:

ClinVar aggregate classification (germline): Uncertain significance (1 of 4 stars; one submission).

Allele frequency attached by ClinVar (database versions not stated): gnomAD 0.00001.

Submission:

Labcorp Genetics (formerly Invitae), Labcorp
Classification: Uncertain significance. Last evaluated: 2022-04-13. Review status: criteria provided, single submitter. Criteria: Invitae Variant Classification Sherloc (09022015). Collection method: clinical testing. Allele origin: germline.
Comment: In summary, the available evidence is currently insufficient to determine the role of this variant in disease. Therefore, it has been classified as a Variant of Uncertain Significance. Algorithms developed to predict the effect of missense changes on protein structure and function are either unavailable or do not agree on the potential impact of this missense change (SIFT: "Tolerated"; PolyPhen-2: "Possibly Damaging"; Align-GVGD: "Class C0"). This variant has not been reported in the literature in individuals affected with VPS13A-related conditions. This variant is not present in population databases (gnomAD no frequency). This sequence change replaces lysine, which is basic and polar, with glutamic acid, which is acidic and polar, at codon 2334 of the VPS13A protein (p.Lys2334Glu).

NM_033305.3(VPS13A):c.7000A>G (p.Lys2334Glu)

Gene: VPS13A (vacuolar protein sorting 13 homolog A; plus strand). Cytogenetic location: 9q21.2.
Variant type: single nucleotide variant.
Coding change: c.7000A>G on transcript NM_033305.3 (MANE Select); coding-DNA position 7000, A replaced by G.
Protein change: p.Lys2334Glu; replaces lysine 2334 with glutamic acid.
Molecular consequence: missense variant.
Genome position (GRCh38, 1-based): chr9:77,340,524, A>G. VCF-style: chr9-77340524-A-G. GRCh37 (hg19) VCF-style: chr9-79955440-A-G.
Other names: c.6883A>G, p.Lys2295Glu (NM_001018037.2); c.7000A>G, p.Lys2334Glu (NM_001018038.3, NM_015186.4); short protein forms K2334E, K2295E.
Identifiers: ClinVar variation 1907094 (VCV001907094.4), dbSNP rs1587618661, ClinGen allele CA373852119.
Genomic context (GRCh38, chr9:77,340,524, plus strand): 5'-TTTTATATGATTAAAAACAAAAGCAAATACCATATATCAGTGGCTGAAGAAGGAAATGAT[A>G]AATGGCTCTCTCTTGATTTGGAGCAGGTGGGTAGATGAATTTCAAAAATATACCTCTTTG-3'
Protein context (NP_150648.2, residues 2324-2344): HISVAEEGND[Lys2334Glu]WLSLDLEQCI